The following is an entry in ClinVar:

ClinVar aggregate classification (germline): Pathogenic (1 of 4 stars; one submission).

Submission:

Labcorp Genetics (formerly Invitae), Labcorp
Classification: Pathogenic. Last evaluated: 2022-06-08. Review status: criteria provided, single submitter. Criteria: Invitae Variant Classification Sherloc (09022015). Collection method: clinical testing. Allele origin: germline.
Comment: This sequence change creates a premature translational stop signal (p.Leu210Argfs*43) in the ANK1 gene. It is expected to result in an absent or disrupted protein product. Loss-of-function variants in ANK1 are known to be pathogenic (PMID: 8640229). This variant is not present in population databases (gnomAD no frequency). For these reasons, this variant has been classified as Pathogenic. This variant has not been reported in the literature in individuals affected with ANK1-related conditions.

Literature cited by the submitters: PubMed 8640229.

NM_000037.4(ANK1):c.629del (p.Leu210fs)

Gene: ANK1 (ankyrin 1; minus strand). Cytogenetic location: 8p11.21.
Variant type: Deletion.
Coding change: c.629del on transcript NM_000037.4 (MANE Select); coding-DNA position 629, one base deleted (T; older notation c.629delT).
Protein change: p.Leu210fs; shifts the reading frame from leucine 210.
Molecular consequence: frameshift variant.
Genome position (GRCh38, 1-based): chr8:41,724,538, A deleted on the plus strand (T on the coding strand, the reverse complement: ANK1 is on the minus strand). VCF-style (leftmost placement, unchanged base first): chr8-41724537-CA-C. GRCh37 (hg19) VCF-style: chr8-41582055-CA-C.
Other names: c.728del, p.Leu243fs (NM_001142446.2); c.629del, p.Leu210fs (NM_020475.3, NM_020476.3, NM_020477.3); short protein forms L243fs, L210fs.
Identifiers: ClinVar variation 2002889 (VCV002002889.4), dbSNP rs2486976664, ClinGen allele CA2580078430.